The following is an entry in ClinVar:

NM_001040108.2(MLH3):c.2999C>T (p.Ser1000Phe)

Gene: MLH3 (mutL homolog 3; minus strand). Cytogenetic location: 14q24.3.
Variant type: single nucleotide variant.
Coding change: c.2999C>T on transcript NM_001040108.2 (MANE Select); coding-DNA position 2999, C replaced by T.
Protein change: p.Ser1000Phe; replaces serine 1000 with phenylalanine.
Molecular consequence: missense variant.
Genome position (GRCh38, 1-based): chr14:75,046,657, G>A on the plus strand (C>T on the coding strand, the complement: MLH3 is on the minus strand). VCF-style: chr14-75046657-G-A. GRCh37 (hg19) VCF-style: chr14-75513360-G-A.
Other names: c.2999C>T, p.Ser1000Phe (NM_014381.3); short protein forms S1000F.
Identifiers: ClinVar variation 3295143 (VCV003295143.2).
Genomic context (GRCh38, chr14:75,046,657, plus strand): 5'-CAAATTCCATTTTGGTCACCTGTGGCATCTTCTACCGGATTCATTAACATTCCACTGGGA[G>A]AGTCAAGACTTCCTATCTGTTGTTCTGAGGCTCTGATAAGAACATCTGAATCTTTACCGG-3'
Protein context (NP_001035197.1, residues 990-1010): ASEQQIGSLD[Ser1000Phe]PSGMLMNPVE

ClinVar aggregate classification (germline): Uncertain significance. Review status: criteria provided, multiple submitters, no conflicts (2 of 4 stars). 2 submissions from 2 submitters: Uncertain significance (2). Last evaluated 2024-05-30.

Conditions:
Colorectal cancer. Also called: Colorectal cancer, somatic; Malignant Colorectal Neoplasm. Identifiers: MedGen C0346629, MONDO:0005575, OMIM 114500.
Endometrial carcinoma. Also called: Endometrial carcinoma, somatic. Identifiers: MedGen C0476089, MONDO:0002447, OMIM 608089, HP:0012114.
Colorectal cancer, hereditary nonpolyposis, type 7. Identifiers: Orphanet 144, MedGen C1858380, MONDO:0013725, OMIM 614385.

Submissions (2):

Fulgent Genetics
Classification: Uncertain significance for Colorectal cancer; Endometrial carcinoma; Colorectal cancer, hereditary nonpolyposis, type 7. Last evaluated: 2024-05-30. Review status: criteria provided, single submitter. Criteria: ACMG Guidelines, 2015. Collection method: clinical testing. Allele origin: germline.

Ambry Genetics
Classification: Uncertain significance. Last evaluated: 2024-05-19. Review status: criteria provided, single submitter. Criteria: Ambry Variant Classification Scheme 2023. Collection method: clinical testing. Allele origin: germline.
Comment: The p.S1000F variant (also known as c.2999C>T), located in coding exon 1 of the MLH3 gene, results from a C to T substitution at nucleotide position 2999. The serine at codon 1000 is replaced by phenylalanine, an amino acid with highly dissimilar properties. This amino acid position is conserved. In addition, this alteration is predicted to be tolerated by in silico analysis. Based on the available evidence, the clinical significance of this variant remains unclear.